The following is an entry in ClinVar:

ClinVar aggregate classification (germline): Uncertain significance (1 of 4 stars; one submission).

Conditions:
Immunodeficiency. Identifiers: MedGen C0021051, MONDO:0021094, HP:0002721.

Submission:

Labcorp Genetics (formerly Invitae), Labcorp
Classification: Uncertain significance for Immunodeficiency. Last evaluated: 2026-01-05. Review status: criteria provided, single submitter. Criteria: Invitae Variant Classification Sherloc (09022015). Collection method: clinical testing. Allele origin: germline.
Comment: This variant, c.3531_3536del, results in the deletion of 2 amino acid(s) of the NFAT5 protein (p.Gln1189_Gln1190del), but otherwise preserves the integrity of the reading frame. The frequency data for this variant in the population databases is considered unreliable, as metrics indicate poor data quality at this position in the gnomAD database. This variant has not been reported in the literature in individuals affected with NFAT5-related conditions. In summary, the available evidence is currently insufficient to determine the role of this variant in disease. Therefore, it has been classified as a Variant of Uncertain Significance.

NM_138713.4(NFAT5):c.3804GCA[3] (p.Gln1283_Gln1284del)

Gene: NFAT5 (nuclear factor of activated T cells 5; plus strand). Cytogenetic location: 16q22.1.
Variant type: Microsatellite.
Coding change: c.3804GCA[3] on transcript NM_138713.4 (MANE Select); three copies in a row of the 3-base unit GCA starting at c.3804; the reference has five copies in a row; two copies, 6 bases deleted.
Protein change: p.Gln1283_Gln1284del.
Molecular consequence: inframe deletion.
Genome position (GRCh38, 1-based): chr16:69,693,638-69,693,643, GCAGCA deleted; deleting any 6 consecutive bases within chr16:69,693,627-69,693,643 gives the same sequence; the position shown is the placement nearest the transcript's 3' end. VCF-style (leftmost placement, unchanged base first): chr16-69693626-ACAGCAG-A. GRCh37 (hg19) VCF-style: chr16-69727529-ACAGCAG-A.
Other names: c.3801GCA[3], p.Gln1282_Gln1283del (NM_001113178.3); c.3129GCA[3], p.Gln1058_Gln1059del (NM_001367709.1); c.3750GCA[3], p.Gln1265_Gln1266del (NM_006599.4); c.3522GCA[3], p.Gln1189_Gln1190del (NM_138714.4, NM_173214.3, NM_173215.3).
Identifiers: ClinVar variation 2881085 (VCV002881085.3), dbSNP rs750951612, ClinGen allele CA623575566.
Genomic context (GRCh38, chr16:69,693,626, plus strand): 5'-AACCATGTTCCAGTCACAGCACTCAATAGTTGCCATGCAGAGTAACTCTCCATCCCAGGA[ACAGCAG>A]CAGCAGCAGCAACAGCAGCAGCAACAGCAGCAGCAACAACAACAGAGCATTTTATTCAGT-3'